The following is an entry in ClinVar:

ClinVar aggregate classification (germline): Pathogenic (1 of 4 stars; one submission).

Submission:

Quest Diagnostics Nichols Institute San Juan Capistrano
Classification: Pathogenic. Last evaluated: 2024-08-06. Review status: criteria provided, single submitter. Criteria: ACMG/ClinGen CNV Guidelines, 2019. Collection method: clinical testing. Allele origin: unknown.
Comment: This copy number loss involves multiple protein-coding genes and is consistent with the 1q21.1 deletion syndrome (OMIM 612474). De novo and inherited deletions of this locus have been associated with a broad range of features. Inheritance from an unaffected or mildly affected parent has been reported. Therefore, this copy number variant is classified as pathogenic, with incomplete penetrance and variable expressivity. Reference: Haldeman-Englert et al., GeneReviews [2024 Feb 1]. PMID: 21348049

GRCh37/hg19 1q21.1-21.2(chr1:146125775-148884815)x1

Genes: NBPF15 (NBPF member 15; minus strand), PPIAL4D (peptidylprolyl isomerase A like 4D; minus strand), NBPF12 (NBPF member 12; plus strand), ACP6 (acid phosphatase 6, lysophosphatidic; minus strand), BCL9 (BCL9 transcription coactivator; plus strand) and 9 more. Cytogenetic location: 1q21.1-21.2.
Variant type: copy number loss.
Change: copy number 1 (one copy instead of two) of chr1:146,125,775-148,884,815 (2.76 Mb, GRCh37 coordinates, 1-based), cytogenetic band 1q21.1-21.2.
Identifiers: ClinVar variation 4682496 (VCV004682496.1).